The following is an entry in ClinVar:

NM_003705.5(SLC25A12):c.1616C>T (p.Ala539Val)

Gene: SLC25A12 (solute carrier family 25 member 12; minus strand). Cytogenetic location: 2q31.1.
Variant type: single nucleotide variant.
Coding change: c.1616C>T on transcript NM_003705.5 (MANE Select); coding-DNA position 1616, C replaced by T.
Protein change: p.Ala539Val; replaces alanine 539 with valine.
Molecular consequence: missense variant. On other transcripts: non-coding transcript variant (1).
Genome position (GRCh38, 1-based): chr2:171,787,917, G>A on the plus strand (C>T on the coding strand, the complement: SLC25A12 is on the minus strand). VCF-style: chr2-171787917-G-A. GRCh37 (hg19) VCF-style: chr2-172644427-G-A.
Other names: c.1616C>T (NM_003705.3); short protein forms A539V.
Identifiers: ClinVar variation 1383744 (VCV001383744.8), dbSNP rs778051864, ClinGen allele CA1966062.

ClinVar aggregate classification (germline): Uncertain significance. Review status: criteria provided, multiple submitters, no conflicts (2 of 4 stars). 2 submissions from 2 submitters: Uncertain significance (2). Last evaluated 2025-08-01.

Conditions:
Inborn genetic diseases. Identifiers: MedGen C0950123, MeSH D030342.

Allele frequency attached by ClinVar (database versions not stated): gnomAD 0.00001; gnomAD exomes 0.00002 and 0.00003; ExAC 0.00003.
gnomAD v4.1: 25 of 1,614,086 alleles (0.0015%); highest among the groups gnomAD compares: South Asian, 0.025%; no homozygotes.

Submissions (2):

Ambry Genetics
Classification: Uncertain significance for Inborn genetic diseases. Last evaluated: 2025-08-01. Review status: criteria provided, single submitter. Criteria: Ambry Variant Classification Scheme 2023. Collection method: clinical testing. Allele origin: germline.

Labcorp Genetics (formerly Invitae), Labcorp
Classification: Uncertain significance. Last evaluated: 2022-07-11. Review status: criteria provided, single submitter. Criteria: Invitae Variant Classification Sherloc (09022015). Collection method: clinical testing. Allele origin: germline.
Comment: This variant is present in population databases (rs778051864, gnomAD 0.03%). This variant has not been reported in the literature in individuals affected with SLC25A12-related conditions. ClinVar contains an entry for this variant (Variation ID: 1383744). Algorithms developed to predict the effect of missense changes on protein structure and function are either unavailable or do not agree on the potential impact of this missense change (SIFT: "Tolerated"; PolyPhen-2: "Probably Damaging"; Align-GVGD: "Class C0"). In summary, the available evidence is currently insufficient to determine the role of this variant in disease. Therefore, it has been classified as a Variant of Uncertain Significance. This sequence change replaces alanine, which is neutral and non-polar, with valine, which is neutral and non-polar, at codon 539 of the SLC25A12 protein (p.Ala539Val).